The following is an entry in ClinVar:

ClinVar aggregate classification (germline): Likely benign. Review status: criteria provided, multiple submitters, no conflicts (2 of 4 stars). 3 submissions from 3 submitters: Likely benign (3). Last evaluated 2025-07-01.

Conditions:
Tuberous sclerosis syndrome (TSC). Also called: Tuberous Sclerosis Complex; Tuberous sclerosis. Identifiers: Orphanet 805, MedGen C0041341, MONDO:0001734.
Tuberous sclerosis 2 (TSC2). Identifiers: Orphanet 805, MedGen C1860707, MONDO:0013199, OMIM 613254.

gnomAD v4.1: 1 of 1,613,526 alleles (0.000062%); highest among the groups gnomAD compares: Non-Finnish European, 0.000085%; no homozygotes.

Submissions (3):

Labcorp Genetics (formerly Invitae), Labcorp
Classification: Likely benign for Tuberous sclerosis 2. Last evaluated: 2025-07-01. Review status: criteria provided, single submitter. Criteria: Invitae Variant Classification Sherloc (09022015). Collection method: clinical testing. Allele origin: germline.

Myriad Genetics, Inc.
Classification: Likely benign for Tuberous sclerosis 2. Last evaluated: 2025-05-15. Review status: criteria provided, single submitter. Criteria: Myriad Autosomal Dominant, Autosomal Recessive and X-Linked Classification Criteria (2023). Collection method: clinical testing. Allele origin: unknown.
Comment: This variant is considered likely benign. This variant is intronic and is not expected to impact mRNA splicing.

All of Us Research Program, National Institutes of Health
Classification: Likely benign for Tuberous sclerosis syndrome. Last evaluated: 2024-02-22. Review status: criteria provided, single submitter. Criteria: ACMG Guidelines, 2015. Collection method: clinical testing. Allele origin: germline. Inheritance: Autosomal dominant inheritance. Observed: 1 variant allele, 1 heterozygote.
Comment: This study involves interpretation of variants in research participants for the purpose of population health screening. Participant phenotype was not available at the time of variant classification. Additional details can be found in publication PMID: 35346344, PMCID: PMC8962531

NM_000548.5(TSC2):c.1840-12T>C

Gene: TSC2 (TSC complex subunit 2; plus strand). Cytogenetic location: 16p13.3.
Variant type: single nucleotide variant.
Coding change: c.1840-12T>C on transcript NM_000548.5 (MANE Select); 12 bases into the intron before coding-DNA position 1840, T replaced by C.
Molecular consequence: intron variant.
Genome position (GRCh38, 1-based): chr16:2,071,498, T>C. VCF-style: chr16-2071498-T-C. GRCh37 (hg19) VCF-style: chr16-2121499-T-C.
Other names: c.1240-12T>C (NM_001406685.1, NM_001318831.2, NM_001406688.1 and 6 more transcripts); c.1783-12T>C (NM_001406677.1); c.1693-12T>C (NM_001406675.1, NM_001406676.1, NM_001318829.2 and 1 more transcripts); c.1873-12T>C (NM_001318832.2); c.496-12T>C (NM_001406693.1, NM_001406689.1, NM_001406690.1 and 6 more transcripts); c.1930-12T>C (NM_001406667.1, NM_001406668.1); c.238-12T>C (NM_001406698.1); c.1840-12T>C (NM_001114382.3, NM_001406663.1, NM_001406664.1 and 6 more transcripts); and 3 more.
Identifiers: ClinVar variation 2731298 (VCV002731298.5), dbSNP rs2088378931, ClinGen allele CA2631136248.